The following is an entry in ClinVar:

ClinVar aggregate classification (germline): Uncertain significance. Review status: criteria provided, multiple submitters, no conflicts (2 of 4 stars). 2 submissions from 2 submitters: Uncertain significance (2). Last evaluated 2025-05-15.

Conditions:
Spastic paraplegia. Identifiers: MedGen C0037772, HP:0001258.

Allele frequency attached by ClinVar (database versions not stated): ExAC 0.00001.
gnomAD v4.1: 4 of 1,610,644 alleles (0.00025%); highest among the groups gnomAD compares: Non-Finnish European, 0.00034%; no homozygotes.

Submissions (2):

Women's Health and Genetics/Laboratory Corporation of America, LabCorp
Classification: Uncertain significance. Last evaluated: 2025-05-15. Review status: criteria provided, single submitter. Criteria: LabCorp Variant Classification Summary - May 2015. Collection method: clinical testing. Allele origin: germline.
Comment: Variant summary: CYP7B1 c.344C>T (p.Ser115Phe) results in a non-conservative amino acid change in the encoded protein sequence. Algorithms developed to predict the effect of missense changes on protein structure and function are either unavailable or do not agree on the potential impact of this missense change. The variant allele was found at a frequency of 4e-06 in 248162 control chromosomes. The available data on variant occurrences in the general population are insufficient to allow any conclusion about variant significance. c.344C>T has been observed in at least one compound heterozygous individual affected with Hereditary Spastic Paraplegia (e.g. D'Amore_2018). These data do not allow any conclusion about variant significance. To our knowledge, no experimental evidence demonstrating an impact on protein function has been reported. The following publication has been ascertained in the context of this evaluation (PMID: 30564185). ClinVar contains an entry for this variant (Variation ID: 2159458). Based on the evidence outlined above, the variant was classified as uncertain significance.

Labcorp Genetics (formerly Invitae), Labcorp
Classification: Uncertain significance for Spastic paraplegia. Last evaluated: 2021-12-03. Review status: criteria provided, single submitter. Criteria: Invitae Variant Classification Sherloc (09022015). Collection method: clinical testing. Allele origin: germline.
Comment: In summary, the available evidence is currently insufficient to determine the role of this variant in disease. Therefore, it has been classified as a Variant of Uncertain Significance. Algorithms developed to predict the effect of missense changes on protein structure and function are either unavailable or do not agree on the potential impact of this missense change (SIFT: "Deleterious"; PolyPhen-2: "Possibly Damaging"; Align-GVGD: "Class C15"). This missense change has been observed in individual(s) with 30564185 (hereditary spastic paraplegia). This variant is present in population databases (rs762579939, gnomAD 0.0009%). This sequence change replaces serine, which is neutral and polar, with phenylalanine, which is neutral and non-polar, at codon 115 of the CYP7B1 protein (p.Ser115Phe).

Literature cited by the submitters: PubMed 30564185 (cited by Women's Health and Genetics/Laboratory Corporation of America, LabCorp).

NM_004820.5(CYP7B1):c.344C>T (p.Ser115Phe)

Gene: CYP7B1 (cytochrome P450 family 7 subfamily B member 1; minus strand). Cytogenetic location: 8q12.3.
Variant type: single nucleotide variant.
Coding change: c.344C>T on transcript NM_004820.5 (MANE Select); coding-DNA position 344, C replaced by T.
Protein change: p.Ser115Phe; replaces serine 115 with phenylalanine.
Molecular consequence: missense variant.
Genome position (GRCh38, 1-based): chr8:64,616,197, G>A on the plus strand (C>T on the coding strand, the complement: CYP7B1 is on the minus strand). VCF-style: chr8-64616197-G-A. GRCh37 (hg19) VCF-style: chr8-65528754-G-A.
Other names: c.344C>T, p.Ser115Phe (NM_001324112.2); short protein forms S115F.
Identifiers: ClinVar variation 2159458 (VCV002159458.3), dbSNP rs762579939, ClinGen allele CA4764226.